The following is an entry in ClinVar:

ClinVar aggregate classification (germline): Likely benign. Review status: criteria provided, multiple submitters, no conflicts (2 of 4 stars). 3 submissions from 3 submitters: Likely benign (3). Last evaluated 2026-01-14.

Allele frequency attached by ClinVar (database versions not stated): 1000 Genomes Project 30x 0.00016; 1000 Genomes Project 0.00020; TOPMed 0.00039; ESP Exome Variant Server 0.00062.
gnomAD v4.1: 977 of 1,614,104 alleles (0.061%); highest among the groups gnomAD compares: Non-Finnish European, 0.068%; 2 homozygotes.

Submissions (3):

Labcorp Genetics (formerly Invitae), Labcorp
Classification: Likely benign. Last evaluated: 2026-01-14. Review status: criteria provided, single submitter. Criteria: Invitae Variant Classification Sherloc (09022015). Collection method: clinical testing. Allele origin: germline.

CeGaT Center for Human Genetics Tuebingen
Classification: Likely benign. Last evaluated: 2025-08-01. Review status: criteria provided, single submitter. Criteria: CeGaT Center For Human Genetics Tuebingen Variant Classification Criteria Version 2. Collection method: clinical testing. Allele origin: germline. Affected: yes. Observed: 3 variant alleles.
Comment: NBAS: BP4, BP7

Blueprint Genetics
Classification: Likely benign. Last evaluated: 2024-11-18. Review status: criteria provided, single submitter. Criteria: ACMG Guidelines, 2015. Collection method: clinical testing. Allele origin: germline.

NM_015909.4(NBAS):c.4668T>C (p.Asp1556=)

Gene: NBAS (NBAS subunit of NRZ tethering complex; minus strand). Cytogenetic location: 2p24.3.
Variant type: single nucleotide variant.
Coding change: c.4668T>C on transcript NM_015909.4 (MANE Select); coding-DNA position 4668, T replaced by C.
Protein change: p.Asp1556=; no amino-acid change (aspartic acid 1556 retained).
Molecular consequence: synonymous variant. On other transcripts: non-coding transcript variant (1).
Genome position (GRCh38, 1-based): chr2:15,308,345, A>G on the plus strand (T>C on the coding strand, the complement: NBAS is on the minus strand). VCF-style: chr2-15308345-A-G. GRCh37 (hg19) VCF-style: chr2-15448469-A-G.
Identifiers: ClinVar variation 1094056 (VCV001094056.33), dbSNP rs140727323, ClinGen allele CA1535546.
Genomic context (GRCh38, chr2:15,308,345, plus strand): 5'-ATACGCTGCCAGCTGGAGAGATAATGCAGAGGGGGACTGCTTTTCAAAGCACCGGTTAGC[A>G]TCTAACACCTAGGAGGGAACATGTTAGAATTAACTCAGCTGAAAGGAAATTATGAAGATC-3'
Protein context (NP_056993.2, residues 1546-1566): AYLLALPQVL[Asp1556=]ANRCFEKQSP